The following is an entry in ClinVar:

NM_004456.5(EZH2):c.914A>C (p.His305Pro)

Gene: EZH2 (enhancer of zeste 2 polycomb repressive complex 2 subunit; minus strand). Cytogenetic location: 7q36.1.
Variant type: single nucleotide variant.
Coding change: c.914A>C on transcript NM_004456.5 (MANE Select); coding-DNA position 914, A replaced by C.
Protein change: p.His305Pro; replaces histidine 305 with proline.
Molecular consequence: missense variant.
Genome position (GRCh38, 1-based): chr7:148,819,681, T>G on the plus strand (A>C on the coding strand, the complement: EZH2 is on the minus strand). VCF-style: chr7-148819681-T-G. GRCh37 (hg19) VCF-style: chr7-148516773-T-G.
Other names: c.899A>C, p.His300Pro (NM_001203247.2); c.872A>C, p.His291Pro (NM_001203248.2, NM_001203249.2); c.782A>C, p.His261Pro (NM_152998.3); short protein forms H261P, H291P, H300P, H305P.
Identifiers: ClinVar variation 1712167 (VCV001712167.2), dbSNP rs1189608375, ClinGen allele CA369718436.

ClinVar aggregate classification (germline): Uncertain significance (1 of 4 stars; one submission).

Submission:

GeneDx
Classification: Uncertain significance. Last evaluated: 2022-04-06. Review status: criteria provided, single submitter. Criteria: GeneDx Variant Classification Process June 2021. Collection method: clinical testing. Allele origin: germline. Affected: yes.
Comment: Not observed at significant frequency in large population cohorts (gnomAD); In silico analysis supports that this missense variant has a deleterious effect on protein structure/function; Has not been previously published as pathogenic or benign to our knowledge